The following is an entry in ClinVar:

NM_001174089.2(SLC4A11):c.1158C>G (p.Asp386Glu)

Gene: SLC4A11 (solute carrier family 4 member 11; minus strand). Cytogenetic location: 20p13.
Variant type: single nucleotide variant.
Coding change: c.1158C>G on transcript NM_001174089.2 (MANE Select); coding-DNA position 1158, C replaced by G.
Protein change: p.Asp386Glu; replaces aspartic acid 386 with glutamic acid.
Molecular consequence: missense variant. On other transcripts: non-coding transcript variant (3).
Genome position (GRCh38, 1-based): chr20:3,230,943, G>C on the plus strand (C>G on the coding strand, the complement: SLC4A11 is on the minus strand). VCF-style: chr20-3230943-G-C. GRCh37 (hg19) VCF-style: chr20-3211589-G-C.
Other names: c.1287C>G, p.Asp429Glu (NM_001174090.2, NM_001400280.1); c.1158C>G, p.Asp386Glu (NM_001363745.2); c.1101C>G, p.Asp367Glu (NM_001400277.1, NM_001400278.1, NM_001400279.1); c.1206C>G, p.Asp402Glu (NM_032034.4); short protein forms D367E, D386E, D402E, D429E.
Identifiers: ClinVar variation 2652170 (VCV002652170.24), dbSNP rs764910925, ClinGen allele CA408089103.

ClinVar aggregate classification (germline): Uncertain significance (1 of 4 stars; one submission).

Submission:

CeGaT Center for Human Genetics Tuebingen
Classification: Uncertain significance. Last evaluated: 2023-07-01. Review status: criteria provided, single submitter. Criteria: CeGaT Center For Human Genetics Tuebingen Variant Classification Criteria Version 2. Collection method: clinical testing. Allele origin: germline. Affected: yes. Observed: 1 variant allele.
Comment: SLC4A11: PM2, BP4